The following is an entry in ClinVar:

NM_001710.6(CFB):c.1243C>T (p.Arg415Cys)

Gene: CFB (complement factor B; plus strand). Cytogenetic location: 6p21.33.
Variant type: single nucleotide variant.
Coding change: c.1243C>T on transcript NM_001710.6 (MANE Select); coding-DNA position 1243, C replaced by T.
Protein change: p.Arg415Cys; replaces arginine 415 with cysteine.
Molecular consequence: missense variant.
Genome position (GRCh38, 1-based): chr6:31,949,317, C>T. VCF-style: chr6-31949317-C-T. GRCh37 (hg19) VCF-style: chr6-31917094-C-T.
Other names: short protein forms R415C.
Identifiers: ClinVar variation 1966178 (VCV001966178.5), dbSNP rs535712398, ClinGen allele CA3728278.

ClinVar aggregate classification (germline): Uncertain significance (1 of 4 stars; one submission).

Allele frequency attached by ClinVar (database versions not stated): TOPMed below 0.00001; gnomAD exomes 0.00001; ExAC 0.00002; 1000 Genomes Project 30x 0.00016; 1000 Genomes Project 0.00020.

Submission:

Labcorp Genetics (formerly Invitae), Labcorp
Classification: Uncertain significance. Last evaluated: 2024-10-25. Review status: criteria provided, single submitter. Criteria: Invitae Variant Classification Sherloc (09022015). Collection method: clinical testing. Allele origin: germline.
Comment: This sequence change replaces arginine, which is basic and polar, with cysteine, which is neutral and slightly polar, at codon 415 of the CFB protein (p.Arg415Cys). This variant is present in population databases (rs535712398, gnomAD 0.01%). This variant has not been reported in the literature in individuals affected with CFB-related conditions. ClinVar contains an entry for this variant (Variation ID: 1966178). An algorithm developed to predict the effect of missense changes on protein structure and function (PolyPhen-2) suggests that this variant is likely to be disruptive. In summary, the available evidence is currently insufficient to determine the role of this variant in disease. Therefore, it has been classified as a Variant of Uncertain Significance.